The following is an entry in ClinVar:

ClinVar aggregate classification (germline): Benign/Likely benign. Review status: criteria provided, multiple submitters, no conflicts (2 of 4 stars). 6 submissions from 5 submitters: Benign (4); Likely benign (2). Last evaluated 2026-04-06.

Conditions:
Fibromuscular dysplasia, multifocal. Identifiers: MedGen C5543412, MONDO:0859151, OMIM 619329.
Ehlers-Danlos syndrome, classic type, 1 (EDSCL1). Also called: Ehlers-Danlos Syndrome, Classic Type, COL5A1-Related; EDS I; EHLERS-DANLOS SYNDROME, GRAVIS TYPE; EHLERS-DANLOS SYNDROME, SEVERE CLASSIC TYPE; Ehlers-Danlos syndrome, type 1. Identifiers: MedGen C0268335, MONDO:0019567, OMIM 130000.

Allele frequency attached by ClinVar (database versions not stated): gnomAD exomes 0.00007 and 0.00014; ExAC 0.00019; 1000 Genomes Project 0.00060; gnomAD 0.00077 and 0.00086; 1000 Genomes Project 30x 0.00078; TOPMed 0.00083; ESP Exome Variant Server 0.00092.
gnomAD v4.1: 228 of 1,612,504 alleles (0.014%); highest among the groups gnomAD compares: African/African-American, 0.22%; no homozygotes.

Submissions (6):

Women's Health and Genetics/Laboratory Corporation of America, LabCorp
Classification: Benign. Last evaluated: 2026-04-06. Review status: criteria provided, single submitter. Criteria: LabCorp Variant Classification Summary - May 2015. Collection method: clinical testing. Allele origin: germline.

Labcorp Genetics (formerly Invitae), Labcorp
Classification: Benign for Ehlers-Danlos syndrome, classic type, 1. Last evaluated: 2026-01-18. Review status: criteria provided, single submitter. Criteria: Invitae Variant Classification Sherloc (09022015). Collection method: clinical testing. Allele origin: germline.

Blueprint Genetics
Classification: Likely benign. Last evaluated: 2024-10-08. Review status: criteria provided, single submitter. Criteria: ACMG Guidelines, 2015. Collection method: clinical testing. Allele origin: germline.

Genome-Nilou Lab
Classification: Benign for Ehlers-Danlos syndrome, classic type, 1. Last evaluated: 2022-03-15. Review status: criteria provided, single submitter. Criteria: ACMG Guidelines, 2015. Collection method: clinical testing. Allele origin: germline. Affected: no.

Genome-Nilou Lab
Classification: Benign for Fibromuscular dysplasia, multifocal. Last evaluated: 2022-03-15. Review status: criteria provided, single submitter. Criteria: ACMG Guidelines, 2015. Collection method: clinical testing. Allele origin: germline. Affected: no.

GeneDx
Classification: Likely benign. Last evaluated: 2016-12-27. Review status: criteria provided, single submitter. Criteria: GeneDx Variant Classification (06012015). Collection method: clinical testing. Allele origin: germline. Affected: yes.
Comment: This variant is considered likely benign or benign based on one or more of the following criteria: it is a conservative change, it occurs at a poorly conserved position in the protein, it is predicted to be benign by multiple in silico algorithms, and/or has population frequency not consistent with disease.

NM_000093.5(COL5A1):c.3528+14C>T

Gene: COL5A1 (collagen type V alpha 1 chain; plus strand). Cytogenetic location: 9q34.3.
Variant type: single nucleotide variant.
Coding change: c.3528+14C>T on transcript NM_000093.5 (MANE Select); 14 bases into the intron after coding-DNA position 3528, C replaced by T.
Molecular consequence: intron variant.
Genome position (GRCh38, 1-based): chr9:134,810,322, C>T. VCF-style: chr9-134810322-C-T. GRCh37 (hg19) VCF-style: chr9-137702168-C-T.
Other names: c.3528+14C>T (NM_001278074.1).
Identifiers: ClinVar variation 377727 (VCV000377727.12), dbSNP rs371865645, ClinGen allele CA5319891.